The following is an entry in ClinVar:

ClinVar aggregate classification (germline): Likely pathogenic (1 of 4 stars; one submission).

Conditions:
Dilated cardiomyopathy 1G (CMD1G). Identifiers: Orphanet 154, MedGen C1858763, MONDO:0011400, OMIM 604145.
Autosomal recessive limb-girdle muscular dystrophy type 2J (LGMDR10). Also called: Limb-girdle muscular dystrophy, type 2J; MUSCULAR DYSTROPHY, LIMB-GIRDLE, AUTOSOMAL RECESSIVE 10. Identifiers: Orphanet 140922, MedGen C1837342, MONDO:0012127, OMIM 608807.

Submission:

Labcorp Genetics (formerly Invitae), Labcorp
Classification: Likely pathogenic for Dilated cardiomyopathy 1G; Autosomal recessive limb-girdle muscular dystrophy type 2J. Last evaluated: 2024-10-28. Review status: criteria provided, single submitter. Criteria: Invitae Variant Classification Sherloc (09022015). Collection method: clinical testing. Allele origin: germline.
Comment: This sequence change creates a premature translational stop signal (p.Ser10120Profs*8) in the TTN gene. While this is not anticipated to result in nonsense mediated decay, it is expected to create a truncated TTN protein. This variant is not present in population databases (gnomAD no frequency). This variant has not been reported in the literature in individuals affected with TTN-related conditions. ClinVar contains an entry for this variant (Variation ID: 1366263). This variant is located in the I band of TTN (PMID: 25589632). Truncating variants in this region have been reported in individuals affected with autosomal recessive centronuclear myopathy (PMID: 23975875, internal data). Truncating variants in this region have also been identified in individuals affected with autosomal dominant dilated cardiomyopathy and/or cardio-related conditions (PMID: 27869827, 32964742, internal data). In summary, the currently available evidence indicates that the variant is pathogenic, but additional data are needed to prove that conclusively. Therefore, this variant has been classified as Likely Pathogenic.

Literature cited by the submitters: PubMed 25589632; PubMed 23975875; PubMed 27869827; PubMed 32964742.

NM_001267550.2(TTN):c.30358_30359del (p.Ser10120fs)

Gene: TTN (titin; minus strand). Cytogenetic location: 2q31.2.
Variant type: Microsatellite.
Coding change: c.30358_30359del on transcript NM_001267550.2 (MANE Select); coding-DNA positions 30358 to 30359, 2 bases deleted (AG; older notation c.30358_30359delAG).
Protein change: p.Ser10120fs; shifts the reading frame from serine 10120.
Molecular consequence: frameshift variant. On other transcripts: intron variant (3).
Genome position (GRCh38, 1-based): chr2:178,702,528-178,702,529, CT deleted on the plus strand (AG on the coding strand, the reverse complement: TTN is on the minus strand); deleting any 2 consecutive bases within chr2:178,702,528-178,702,533 gives the same sequence; the c. name uses the placement nearest the transcript's 3' end. VCF-style (leftmost placement, unchanged base first): chr2-178702527-GCT-G. GRCh37 (hg19) VCF-style: chr2-179567254-GCT-G.
Other names: c.29407_29408del, p.Ser9803fs (NM_001256850.1); c.26626_26627del, p.Ser8876fs (NM_133378.4); c.13282+35549AG[2] (NM_003319.4); c.13858+35549AG[2] (NM_133437.4); c.13657+35549AG[2] (NM_133432.3); short protein forms S10120fs, S8876fs, S9803fs.
Identifiers: ClinVar variation 1366263 (VCV001366263.6), dbSNP rs2154290001, ClinGen allele CA2580616621.